The following is an entry in ClinVar:

ClinVar aggregate classification (germline): Pathogenic (1 of 4 stars; one submission).

Conditions:
Familial cancer of breast. Also called: hereditary breast carcinoma; BREAST CANCER, FAMILIAL; Hereditary breast cancer. Identifiers: Orphanet 227535, MedGen C0346153, MONDO:0016419, OMIM 114480. Disease mechanism: loss of function.

Submission:

Myriad Genetics, Inc.
Classification: Pathogenic for Familial cancer of breast. Last evaluated: 2024-01-29. Review status: criteria provided, single submitter. Criteria: Myriad Autosomal Dominant, Autosomal Recessive and X-Linked Classification Criteria (2023). Collection method: clinical testing. Allele origin: unknown.
Comment: This variant is considered pathogenic. This variant creates a frameshift predicted to result in premature protein truncation.

NM_000051.4(ATM):c.6319dup (p.Met2107fs)

Genes: ATM (ATM serine/threonine kinase; plus strand), C11orf65 (chromosome 11 open reading frame 65; minus strand). Cytogenetic location: 11q22.3.
Variant type: Duplication.
Coding change: c.6319dup on transcript NM_000051.4 (MANE Select); coding-DNA position 6319, one base duplicated (A; older notation c.6319dupA).
Protein change: p.Met2107fs; shifts the reading frame from methionine 2107.
Molecular consequence: frameshift variant. On other transcripts: intron variant (2).
Genome position (GRCh38, 1-based): chr11:108,317,493, A duplicated. VCF-style (leftmost placement, unchanged base first): chr11-108317492-T-TA. GRCh37 (hg19) VCF-style: chr11-108188219-T-TA.
Other names: c.6319dup, p.Met2107fs (NM_001351834.2); c.641-8422dup (NM_001330368.2); c.*39-8422dup (NM_001351110.2); short protein forms M2107fs.
Identifiers: ClinVar variation 3148611 (VCV003148611.1), dbSNP rs2547116617, ClinGen allele CA2825001859.